The following is an entry in ClinVar:

ClinVar aggregate classification (germline): Uncertain significance (1 of 4 stars; one submission).

Conditions:
Cardiomyopathy (CMYO). Also called: Cardiomyopathies. Identifiers: Orphanet 167848, MedGen C0878544, MONDO:0004994, HP:0001638. Inheritance: Various modes of inheritance.

Allele frequency attached by ClinVar (database versions not stated): gnomAD exomes below 0.00001.
gnomAD v4.1: 1 of 1,614,108 alleles (0.000062%); highest among the groups gnomAD compares: Non-Finnish European, 0.000085%; no homozygotes.

Submission:

Color Diagnostics, LLC DBA Color Health
Classification: Uncertain significance for Cardiomyopathy. Last evaluated: 2023-12-05. Review status: criteria provided, single submitter. Criteria: ACMG Guidelines, 2015. Collection method: clinical testing. Allele origin: germline.
Comment: Variant of Uncertain Significance due to insufficient evidence: This missense variant replaces leucine with isoleucine at codon 714 of the MYH7 protein. Computational prediction tools and conservation analyses are inconclusive regarding the impact of this variant on the protein function. Computational splicing tools suggest that this variant may not impact RNA splicing. To our knowledge, functional assays have not been performed for this variant nor has this variant been reported in individuals affected with cardiovascular disorders in the literature. This variant is rare in the general population and has been identified in 0/277264 chromosomes by the Genome Aggregation Database (gnomAD). Available evidence is insufficient to determine the role of this variant in disease conclusively.

NM_000257.4(MYH7):c.2140C>A (p.Leu714Ile)

Gene: MYH7 (myosin heavy chain 7; minus strand). Cytogenetic location: 14q11.2.
Variant type: single nucleotide variant.
Coding change: c.2140C>A on transcript NM_000257.4 (MANE Select); coding-DNA position 2140, C replaced by A.
Protein change: p.Leu714Ile; replaces leucine 714 with isoleucine.
Molecular consequence: missense variant.
Genome position (GRCh38, 1-based): chr14:23,425,986, G>T on the plus strand (C>A on the coding strand, the complement: MYH7 is on the minus strand). VCF-style: chr14-23425986-G-T. GRCh37 (hg19) VCF-style: chr14-23895195-G-T.
Other names: short protein forms L714I.
Identifiers: ClinVar variation 924925 (VCV000924925.5), dbSNP rs1892682030, ClinGen allele CA389049047.
Genomic context (GRCh38, chr14:23,425,986, plus strand): 5'-CCCCTGTTCTATGAGCTCTGGTGCACCCTCATACCCACCTCTGCCGGAAGTCCCCGTAGA[G>T]GATGCGGTTGGGGAAGCCTTTCCTGCAGATGCGGATGCCCTCCAGCACACCATTGCAGCG-3'
Protein context (NP_000248.2, residues 704-724): ICRKGFPNRI[Leu714Ile]YGDFRQRYRI